The following is an entry in ClinVar:

NM_021629.4(GNB4):c.641G>A (p.Arg214Gln)

Gene: GNB4 (G protein subunit beta 4; minus strand). Cytogenetic location: 3q26.33.
Variant type: single nucleotide variant.
Coding change: c.641G>A on transcript NM_021629.4 (MANE Select); coding-DNA position 641, G replaced by A.
Protein change: p.Arg214Gln; replaces arginine 214 with glutamine.
Molecular consequence: missense variant.
Genome position (GRCh38, 1-based): chr3:179,413,470, C>T on the plus strand (G>A on the coding strand, the complement: GNB4 is on the minus strand). VCF-style: chr3-179413470-C-T. GRCh37 (hg19) VCF-style: chr3-179131258-C-T.
Other names: short protein forms R214Q.
Identifiers: ClinVar variation 2117406 (VCV002117406.4), dbSNP rs2473900718, ClinGen allele CA355469363.

ClinVar aggregate classification (germline): Uncertain significance (1 of 4 stars; one submission).

Conditions:
Charcot-Marie-Tooth disease dominant intermediate F. Identifiers: Orphanet 352670, MedGen C4749463, MONDO:0014074, OMIM 615185.

Allele frequency attached by ClinVar (database versions not stated): gnomAD exomes below 0.00001.
gnomAD v4.1: 1 of 1,614,070 alleles (0.000062%); highest among the groups gnomAD compares: East Asian, 0.0022%; no homozygotes.

Submission:

Labcorp Genetics (formerly Invitae), Labcorp
Classification: Uncertain significance for Charcot-Marie-Tooth disease dominant intermediate F. Last evaluated: 2022-12-14. Review status: criteria provided, single submitter. Criteria: Invitae Variant Classification Sherloc (09022015). Collection method: clinical testing. Allele origin: germline.
Comment: This variant has not been reported in the literature in individuals affected with GNB4-related conditions. This sequence change replaces arginine, which is basic and polar, with glutamine, which is neutral and polar, at codon 214 of the GNB4 protein (p.Arg214Gln). This variant is not present in population databases (gnomAD no frequency). Advanced modeling of protein sequence and biophysical properties (such as structural, functional, and spatial information, amino acid conservation, physicochemical variation, residue mobility, and thermodynamic stability) performed at Invitae indicates that this missense variant is expected to disrupt GNB4 protein function. In summary, the available evidence is currently insufficient to determine the role of this variant in disease. Therefore, it has been classified as a Variant of Uncertain Significance.